The following is an entry in ClinVar:

NM_004006.3(DMD):c.5025+103G>A

Gene: DMD (dystrophin; minus strand). Cytogenetic location: Xp21.1.
Variant type: single nucleotide variant.
Coding change: c.5025+103G>A on transcript NM_004006.3 (MANE Select); 103 bases into the intron after coding-DNA position 5025, G replaced by A.
Molecular consequence: intron variant.
Genome position (GRCh38, 1-based): chrX:32,364,917, C>T on the plus strand (G>A on the coding strand, the complement: DMD is on the minus strand). VCF-style: chrX-32364917-C-T. GRCh37 (hg19) VCF-style: chrX-32383034-C-T.
Other names: c.5001+103G>A (NM_000109.4); c.1002+103G>A (NM_004011.4); c.993+103G>A (NM_004012.4); c.5013+103G>A (NM_004009.3); c.4656+103G>A (NM_004010.3).
Identifiers: ClinVar variation 671085 (VCV000671085.2), dbSNP rs5927975, ClinGen allele CA327995463.

ClinVar aggregate classification (germline): Benign. Review status: criteria provided, multiple submitters, no conflicts (2 of 4 stars). 2 submissions from 2 submitters: Benign (2). Last evaluated 2018-06-14.

Allele frequency attached by ClinVar (database versions not stated): gnomAD 0.45628 and 0.46488; TOPMed 0.47380; gnomAD exomes 0.49158; 1000 Genomes Project 30x 0.54901; 1000 Genomes Project 0.55497.
gnomAD v4.1: 449,386 of 920,111 alleles (49%); highest among the groups gnomAD compares: Admixed American, 70%; 78,533 homozygotes.

Submissions (2):

GeneDx
Classification: Benign. Last evaluated: 2018-06-14. Review status: criteria provided, single submitter. Criteria: GeneDx Variant Classification (06012015). Collection method: clinical testing. Allele origin: germline. Affected: yes.
Comment: This variant is considered likely benign or benign based on one or more of the following criteria: it is a conservative change, it occurs at a poorly conserved position in the protein, it is predicted to be benign by multiple in silico algorithms, and/or has population frequency not consistent with disease.

Breakthrough Genomics
Classification: Benign. Review status: criteria provided, single submitter. Criteria: ACMG Guidelines, 2015. Collection method: not provided. Allele origin: germline. Inheritance: X-linked inheritance. Affected: yes.